The following is an entry in ClinVar:

NM_001304548.2(CFAP47):c.4373A>T (p.Asp1458Val)

Gene: CFAP47 (cilia and flagella associated protein 47; plus strand). Cytogenetic location: Xp21.1.
Variant type: single nucleotide variant.
Coding change: c.4373A>T on transcript NM_001304548.2 (MANE Select); coding-DNA position 4373, A replaced by T.
Protein change: p.Asp1458Val; replaces aspartic acid 1458 with valine.
Molecular consequence: missense variant.
Genome position (GRCh38, 1-based): chrX:36,071,879, A>T. VCF-style: chrX-36071879-A-T. GRCh37 (hg19) VCF-style: chrX-36089996-A-T.
Other names: short protein forms D1458V.
Identifiers: ClinVar variation 3037792 (VCV003037792.2), dbSNP rs144780406, ClinGen allele CA10381989.

ClinVar aggregate classification (germline): Likely benign (0 of 4 stars; one submission).

Conditions:
CFAP47-related disorder. Also called: CFAP47-related condition.

Allele frequency attached by ClinVar (database versions not stated): TOPMed 0.00100; gnomAD 0.00108; gnomAD exomes 0.00116; ExAC 0.00125; ESP Exome Variant Server 0.00180.
gnomAD v4.1: 1,408 of 1,200,522 alleles (0.12%); highest among the groups gnomAD compares: Middle Eastern, 0.25%; no homozygotes.

Submission:

PreventionGenetics, part of Exact Sciences
Classification: Likely benign for CFAP47-related condition. Last evaluated: 2022-04-06. Review status: no assertion criteria provided. Collection method: clinical testing. Allele origin: germline.
Comment: This variant is classified as likely benign based on ACMG/AMP sequence variant interpretation guidelines (Richards et al. 2015 PMID: 25741868, with internal and published modifications).